The following is an entry in ClinVar:

ClinVar aggregate classification (germline): Uncertain significance (1 of 4 stars; one submission).

Submission:

GeneDx
Classification: Uncertain significance. Last evaluated: 2019-07-09. Review status: criteria provided, single submitter. Criteria: GeneDx Variant Classification Process June 2021. Collection method: clinical testing. Allele origin: germline. Affected: yes.
Comment: Not observed in large population cohorts (Lek et al., 2016); In silico analysis, which includes protein predictors and evolutionary conservation, supports a deleterious effect; Occurs in the triple helical domain at the Y position in the canonical Gly-X-Y repeat. Although this variant may have an effect on normal protein folding and function, missense substitution at the Y position is not a common mechanism of disease; Has not been previously published as pathogenic or benign to our knowledge

NM_033380.3(COL4A5):c.709C>T (p.Pro237Ser)

Gene: COL4A5 (collagen type IV alpha 5 chain; plus strand). Cytogenetic location: Xq22.3.
Variant type: single nucleotide variant.
Coding change: c.709C>T on transcript NM_033380.3 (MANE Select); coding-DNA position 709, C replaced by T.
Protein change: p.Pro237Ser; replaces proline 237 with serine.
Molecular consequence: missense variant.
Genome position (GRCh38, 1-based): chrX:108,578,312, C>T. VCF-style: chrX-108578312-C-T. GRCh37 (hg19) VCF-style: chrX-107821542-C-T.
Other names: c.709C>T, p.Pro237Ser (NM_000495.5); short protein forms P237S.
Identifiers: ClinVar variation 1307116 (VCV001307116.2), dbSNP rs2147771258, ClinGen allele CA413924139.